The following is an entry in ClinVar:

ClinVar aggregate classification (germline): Uncertain significance. Review status: criteria provided, multiple submitters, no conflicts (2 of 4 stars). 2 submissions from 2 submitters: Uncertain significance (2). Last evaluated 2025-11-13.

Allele frequency attached by ClinVar (database versions not stated): gnomAD 0.00001; ExAC 0.00002; TOPMed 0.00002.
gnomAD v4.1: 23 of 1,609,904 alleles (0.0014%); highest among the groups gnomAD compares: South Asian, 0.0022%; no homozygotes.

Submissions (2):

Ambry Genetics
Classification: Uncertain significance. Last evaluated: 2025-11-13. Review status: criteria provided, single submitter. Criteria: Ambry Variant Classification Scheme 2023. Collection method: clinical testing. Allele origin: germline.

Labcorp Genetics (formerly Invitae), Labcorp
Classification: Uncertain significance. Last evaluated: 2025-10-18. Review status: criteria provided, single submitter. Criteria: Invitae Variant Classification Sherloc (09022015). Collection method: clinical testing. Allele origin: germline.
Comment: This sequence change replaces arginine, which is basic and polar, with cysteine, which is neutral and slightly polar, at codon 257 of the POLG2 protein (p.Arg257Cys). This variant is present in population databases (rs781922249, gnomAD 0.003%). This variant has not been reported in the literature in individuals affected with POLG2-related conditions. ClinVar contains an entry for this variant (Variation ID: 2183219). An algorithm developed to predict the effect of missense changes on protein structure and function (PolyPhen-2) suggests that this variant is likely to be disruptive. In summary, the available evidence is currently insufficient to determine the role of this variant in disease. Therefore, it has been classified as a Variant of Uncertain Significance.

NM_007215.4(POLG2):c.769C>T (p.Arg257Cys)

Genes: MILR1 (mast cell immunoglobulin like receptor 1; plus strand), POLG2 (DNA polymerase gamma 2, accessory subunit; minus strand). Cytogenetic location: 17q23.3.
Variant type: single nucleotide variant.
Coding change: c.769C>T on transcript NM_007215.4 (MANE Select); coding-DNA position 769, C replaced by T.
Protein change: p.Arg257Cys; replaces arginine 257 with cysteine.
Molecular consequence: missense variant.
Genome position (GRCh38, 1-based): chr17:64,492,693, G>A on the plus strand (C>T on the coding strand, the complement: POLG2 is on the minus strand). VCF-style: chr17-64492693-G-A. GRCh37 (hg19) VCF-style: chr17-62488810-G-A.
Other names: c.769C>T (NM_007215.3); short protein forms R257C.
Identifiers: ClinVar variation 2183219 (VCV002183219.5), dbSNP rs781922249, ClinGen allele CA8712927.